The following is an entry in ClinVar:

ClinVar aggregate classification (germline): Uncertain significance (1 of 4 stars; one submission).

Submission:

Labcorp Genetics (formerly Invitae), Labcorp
Classification: Uncertain significance. Last evaluated: 2021-05-12. Review status: criteria provided, single submitter. Criteria: Invitae Variant Classification Sherloc (09022015). Collection method: clinical testing. Allele origin: germline.
Comment: In summary, the available evidence is currently insufficient to determine the role of this variant in disease. Therefore, it has been classified as a Variant of Uncertain Significance. Algorithms developed to predict the effect of missense changes on protein structure and function output the following: SIFT: "Tolerated"; PolyPhen-2: "Benign"; Align-GVGD: "Class C0". The glutamic acid amino acid residue is found in multiple mammalian species, suggesting that this missense change does not adversely affect protein function. These predictions have not been confirmed by published functional studies and their clinical significance is uncertain. This variant has not been reported in the literature in individuals with KIAA0753-related conditions. This variant is not present in population databases (ExAC no frequency). This sequence change replaces aspartic acid with glutamic acid at codon 879 of the KIAA0753 protein (p.Asp879Glu). The aspartic acid residue is moderately conserved and there is a small physicochemical difference between aspartic acid and glutamic acid.

NM_014804.3(KIAA0753):c.2637T>A (p.Asp879Glu)

Gene: KIAA0753 (KIAA0753; minus strand). Cytogenetic location: 17p13.1.
Variant type: single nucleotide variant.
Coding change: c.2637T>A on transcript NM_014804.3 (MANE Select); coding-DNA position 2637, T replaced by A.
Protein change: p.Asp879Glu; replaces aspartic acid 879 with glutamic acid.
Molecular consequence: missense variant. On other transcripts: non-coding transcript variant (3).
Genome position (GRCh38, 1-based): chr17:6,589,928, A>T on the plus strand (T>A on the coding strand, the complement: KIAA0753 is on the minus strand). VCF-style: chr17-6589928-A-T. GRCh37 (hg19) VCF-style: chr17-6493248-A-T.
Other names: c.1740T>A, p.Asp580Glu (NM_001351225.2); short protein forms D580E, D879E.
Identifiers: ClinVar variation 1463350 (VCV001463350.8), dbSNP rs1158000188, ClinGen allele CA397403756.